The following is an entry in ClinVar:

NM_002485.5(NBN):c.1997del (p.Asn666fs)

Gene: NBN (nibrin; minus strand). Cytogenetic location: 8q21.3.
Variant type: Deletion.
Coding change: c.1997del on transcript NM_002485.5 (MANE Select); coding-DNA position 1997, one base deleted (A; older notation c.1997delA).
Protein change: p.Asn666fs; shifts the reading frame from asparagine 666.
Molecular consequence: frameshift variant.
Genome position (GRCh38, 1-based): chr8:89,946,213, T deleted on the plus strand (A on the coding strand, the reverse complement: NBN is on the minus strand); the first of 5 consecutive T bases (chr8:89,946,213-89,946,217); deleting any one gives the same sequence. VCF-style (leftmost placement, unchanged base first): chr8-89946212-GT-G. GRCh37 (hg19) VCF-style: chr8-90958440-GT-G.
Other names: c.1751del, p.Asn584fs (NM_001024688.3, NM_001440379.1, NM_001440380.1); short protein forms N584fs, N666fs.
Identifiers: ClinVar variation 4813840 (VCV004813840.1).

ClinVar aggregate classification (germline): Likely pathogenic (1 of 4 stars; one submission).

Conditions:
Microcephaly, normal intelligence and immunodeficiency (NBS). Also called: Nijmegen breakage syndrome; Microcephaly with normal intelligence immunodeficiency and lymphoreticular malignancies; Nonsyndromal microcephaly autosomal recessive with normal intelligence; Seemanova syndrome 2; BERLIN BREAKAGE SYNDROME; Ataxia telangiectasia variant V1. Identifiers: Orphanet 647, MedGen C0398791, MONDO:0009623, OMIM 251260.

Submission:

Variantyx, Inc.
Classification: Likely pathogenic for Microcephaly, normal intelligence and immunodeficiency. Last evaluated: 2025-11-28. Review status: criteria provided, single submitter. Criteria: Variantyx Assertion Criteria 2022. Collection method: clinical testing. Allele origin: germline. Inheritance: Autosomal recessive inheritance.
Comment: This is a frameshift variant in the NBN gene (OMIM: 602667). Pathogenic variants in this gene have been associated with autosomal recessive Nijmegen breakage syndrome. This variant introduces a premature termination codon in exon 13 out of 16 and is expected to result in loss of function, which is a known disease mechanism for NBN in this disorder (PMID: 9590180, 16415040) (PVS1). This variant is absent from control populations (PM2). Based on the current evidence, this variant is classified as likely pathogenic for autosomal recessive Nijmegen breakage syndrome.

Literature cited by the submitters: PubMed 9590180; PubMed 16415040.